The following is an entry in ClinVar:

NM_020738.4(KIDINS220):c.5123C>T (p.Thr1708Ile)

Gene: KIDINS220 (kinase D interacting substrate 220; minus strand). Cytogenetic location: 2p25.1.
Variant type: single nucleotide variant.
Coding change: c.5123C>T on transcript NM_020738.4 (MANE Select); coding-DNA position 5123, C replaced by T.
Protein change: p.Thr1708Ile; replaces threonine 1708 with isoleucine.
Molecular consequence: missense variant. On other transcripts: intron variant (6).
Genome position (GRCh38, 1-based): chr2:8,730,913, G>A on the plus strand (C>T on the coding strand, the complement: KIDINS220 is on the minus strand). VCF-style: chr2-8730913-G-A. GRCh37 (hg19) VCF-style: chr2-8871043-G-A.
Other names: c.5123C>T (NM_020738.2); c.5126C>T, p.Thr1709Ile (NM_001348729.2); c.5069C>T, p.Thr1690Ile (NM_001348731.2); c.5066C>T, p.Thr1689Ile (NM_001348732.2); c.4955C>T, p.Thr1652Ile (NM_001348734.2); c.4952C>T, p.Thr1651Ile (NM_001348735.2); c.4826C>T, p.Thr1609Ile (NM_001348736.2); c.3882+2531C>T (NM_001348741.2, NM_001348742.2, NM_001348743.2); and 2 more; short protein forms T1651I, T1652I, T1708I, T1690I, T1709I, T1609I, T1689I.
Identifiers: ClinVar variation 1933102 (VCV001933102.6), dbSNP rs761533158, ClinGen allele CA1519247.

ClinVar aggregate classification (germline): Uncertain significance. Review status: criteria provided, multiple submitters, no conflicts (2 of 4 stars). 2 submissions from 2 submitters: Uncertain significance (2). Last evaluated 2026-07-29.

Conditions:
KIDINS220-related disorder. Also called: KIDINS220-related condition.

Allele frequency attached by ClinVar (database versions not stated): gnomAD exomes below 0.00001; ExAC 0.00001.
gnomAD v4.1: 1 of 1,614,218 alleles (0.000062%); highest among the groups gnomAD compares: Non-Finnish European, 0.000085%; no homozygotes.

Submissions (2):

PreventionGenetics, part of Exact Sciences
Classification: Uncertain significance for KIDINS220-related condition. Last evaluated: 2026-07-29. Review status: criteria provided, single submitter. Criteria: ACMG Guidelines, 2015. Collection method: clinical testing. Allele origin: germline.
Comment: The KIDINS220 c.5123C>T variant is predicted to result in the amino acid substitution p.Thr1708Ile. To our knowledge, this variant has not been reported in the literature. This variant is reported in 0.00088% of alleles in individuals of European (Non-Finnish) descent in gnomAD. At this time, the clinical significance of this variant is uncertain due to the absence of conclusive functional and genetic evidence.

Labcorp Genetics (formerly Invitae), Labcorp
Classification: Uncertain significance. Last evaluated: 2022-09-04. Review status: criteria provided, single submitter. Criteria: Invitae Variant Classification Sherloc (09022015). Collection method: clinical testing. Allele origin: germline.
Comment: In summary, the available evidence is currently insufficient to determine the role of this variant in disease. Therefore, it has been classified as a Variant of Uncertain Significance. Algorithms developed to predict the effect of missense changes on protein structure and function are either unavailable or do not agree on the potential impact of this missense change (SIFT: "Deleterious"; PolyPhen-2: "Benign"; Align-GVGD: "Class C0"). This variant has not been reported in the literature in individuals affected with KIDINS220-related conditions. This variant is present in population databases (rs761533158, gnomAD 0.0009%). This sequence change replaces threonine, which is neutral and polar, with isoleucine, which is neutral and non-polar, at codon 1708 of the KIDINS220 protein (p.Thr1708Ile).